The following is an entry in ClinVar:

NM_201384.3(PLEC):c.11604C>T (p.Asp3868=)

Gene: PLEC (plectin; minus strand). Cytogenetic location: 8q24.3.
Variant type: single nucleotide variant.
Coding change: c.11604C>T on transcript NM_201384.3 (MANE Select); coding-DNA position 11604, C replaced by T.
Protein change: p.Asp3868=; no amino-acid change (aspartic acid 3868 retained).
Molecular consequence: synonymous variant.
Genome position (GRCh38, 1-based): chr8:143,918,217, G>A on the plus strand (C>T on the coding strand, the complement: PLEC is on the minus strand). VCF-style: chr8-143918217-G-A. GRCh37 (hg19) VCF-style: chr8-144992385-G-A.
Other names: c.11685C>T, p.Asp3895= (NM_000445.5); c.11562C>T, p.Asp3854= (NM_201378.4); c.11538C>T, p.Asp3846= (NM_201379.3); c.12015C>T, p.Asp4005= (NM_201380.4); c.11508C>T, p.Asp3836= (NM_201381.3); c.11604C>T, p.Asp3868= (NM_201382.4); c.11616C>T, p.Asp3872= (NM_201383.3).
Identifiers: ClinVar variation 510233 (VCV000510233.12), dbSNP rs375886231, ClinGen allele CA4924296.

ClinVar aggregate classification (germline): Likely benign. Review status: criteria provided, multiple submitters, no conflicts (2 of 4 stars). 4 submissions from 4 submitters: Likely benign (4). Last evaluated 2026-07-01.

Conditions:
Epidermolysis bullosa simplex 5C, with pyloric atresia (EBS5C). Also called: PLEC-Related Epidermolysis Bullosa with Pyloric Atresia; Epidermolysis bullosa simplex with pyloric atresia; PLEC1-Related Epidermolysis Bullosa with Pyloric Atresia. Identifiers: Orphanet 158684, MedGen C2677349, MONDO:0012807, OMIM 612138.
Epidermolysis bullosa simplex 5B, with muscular dystrophy (EBS5B). Also called: EPIDERMOLYSIS BULLOSA SIMPLEX AND LIMB-GIRDLE MUSCULAR DYSTROPHY; Epidermolysis bullosa simplex with muscular dystrophy. Identifiers: Orphanet 257, MedGen C2931072, MONDO:0009181, OMIM 226670.
Autosomal recessive limb-girdle muscular dystrophy type 2Q (LGMDR17). Also called: MUSCULAR DYSTROPHY, LIMB-GIRDLE, AUTOSOMAL RECESSIVE 17. Identifiers: Orphanet 254361, MedGen C3150989, MONDO:0013390, OMIM 613723.
Epidermolysis bullosa simplex with nail dystrophy (EBS5D). Identifiers: MedGen C4225309, MONDO:0014661, OMIM 616487.
Epidermolysis bullosa simplex, Ogna type (EBS5A). Also called: Pidermolysis bullosa simplex 5A, Ogna type; EPIDERMOLYSIS BULLOSA SIMPLEX 5A, OGNA TYPE. Identifiers: Orphanet 79401, MedGen C0432317, MONDO:0007555, OMIM 131950.

Allele frequency attached by ClinVar (database versions not stated): gnomAD 0.00004; gnomAD exomes 0.00004 and 0.00011; TOPMed 0.00004; ESP Exome Variant Server 0.00009; ExAC 0.00011.
gnomAD v4.1: 59 of 1,578,294 alleles (0.0037%); highest among the groups gnomAD compares: Admixed American, 0.035%; no homozygotes.

Submissions (4):

CeGaT Center for Human Genetics Tuebingen
Classification: Likely benign. Last evaluated: 2026-07-01. Review status: criteria provided, single submitter. Criteria: CeGaT Center For Human Genetics Tuebingen Variant Classification Criteria Version 2. Collection method: clinical testing. Allele origin: germline. Affected: yes. Observed: 1 variant allele.
Comment: PLEC: BP4, BP7

Labcorp Genetics (formerly Invitae), Labcorp
Classification: Likely benign for Autosomal recessive limb-girdle muscular dystrophy type 2Q; Epidermolysis bullosa simplex, Ogna type; Epidermolysis bullosa simplex with nail dystrophy; Epidermolysis bullosa simplex 5C, with pyloric atresia; Epidermolysis bullosa simplex 5B, with muscular dystrophy. Last evaluated: 2025-11-19. Review status: criteria provided, single submitter. Criteria: Invitae Variant Classification Sherloc (09022015). Collection method: clinical testing. Allele origin: germline.

Blueprint Genetics
Classification: Likely benign. Last evaluated: 2023-09-14. Review status: criteria provided, single submitter. Criteria: ACMG Guidelines, 2015. Collection method: clinical testing. Allele origin: germline.

GeneDx
Classification: Likely benign. Last evaluated: 2017-06-20. Review status: criteria provided, single submitter. Criteria: GeneDx Variant Classification (06012015). Collection method: clinical testing. Allele origin: germline. Affected: yes.
Comment: This variant is considered likely benign or benign based on one or more of the following criteria: it is a conservative change, it occurs at a poorly conserved position in the protein, it is predicted to be benign by multiple in silico algorithms, and/or has population frequency not consistent with disease.